The following is an entry in ClinVar:

NM_177965.4(CFAP418):c.155+5A>T

Genes: CFAP418 (cilia and flagella associated protein 418; minus strand), CFAP418-AS1 (CFAP418 antisense RNA 1; plus strand), LOC130000784 (ATAC-STARR-seq lymphoblastoid active region 27655; plus strand). Cytogenetic location: 8q22.1.
Variant type: single nucleotide variant.
Coding change: c.155+5A>T on transcript NM_177965.4 (MANE Select); 5 bases into the intron after coding-DNA position 155, A replaced by T.
Molecular consequence: intron variant.
Genome position (GRCh38, 1-based): chr8:95,269,030, T>A on the plus strand (A>T on the coding strand, the complement: CFAP418 is on the minus strand). VCF-style: chr8-95269030-T-A. GRCh37 (hg19) VCF-style: chr8-96281258-T-A.
Other names: c.155+5A>T (NM_001363260.1).
Identifiers: ClinVar variation 3357658 (VCV003357658.2).

ClinVar aggregate classification (germline): Uncertain significance. Review status: criteria provided, single submitter (1 of 4 stars). 2 submissions from 2 submitters: Uncertain significance (1). 1 of the submissions does not count toward it. Last evaluated 2024-06-24.

Conditions:
CFAP418-related disorder. Also called: CFAP418-related condition.

gnomAD v4.1: 27 of 1,613,534 alleles (0.0017%); highest among the groups gnomAD compares: Non-Finnish European, 0.0021%; no homozygotes.

Submissions (2):

Blueprint Genetics
Classification: Uncertain significance. Last evaluated: 2024-06-24. Review status: criteria provided, single submitter. Criteria: ACMG Guidelines, 2015. Collection method: clinical testing. Allele origin: germline.

PreventionGenetics, part of Exact Sciences
Classification: Likely benign for CFAP418-related condition. Last evaluated: 2023-04-20. Review status: no assertion criteria provided. Collection method: clinical testing. Allele origin: germline. Not counted in ClinVar's aggregate classification.
Comment: This variant is classified as likely benign based on ACMG/AMP sequence variant interpretation guidelines (Richards et al. 2015 PMID: 25741868, with internal and published modifications).